The following is an entry in ClinVar:

NM_024675.4(PALB2):c.425del (p.Lys142fs)

Gene: PALB2 (partner and localizer of BRCA2; minus strand). Cytogenetic location: 16p12.2.
Variant type: Deletion.
Coding change: c.425del on transcript NM_024675.4 (MANE Select); coding-DNA position 425, one base deleted (A; older notation c.425delA).
Protein change: p.Lys142fs; shifts the reading frame from lysine 142.
Molecular consequence: frameshift variant.
Genome position (GRCh38, 1-based): chr16:23,636,121, T deleted on the plus strand (A on the coding strand, the reverse complement: PALB2 is on the minus strand); the first of 2 consecutive T bases (chr16:23,636,121-23,636,122); deleting either gives the same sequence. VCF-style (leftmost placement, unchanged base first): chr16-23636120-CT-C. GRCh37 (hg19) VCF-style: chr16-23647441-CT-C.
Other names: short protein forms K142fs.
Identifiers: ClinVar variation 1068983 (VCV001068983.8), dbSNP rs2142443741, ClinGen allele CA2499223452.
Genomic context (GRCh38, chr16:23,636,120, plus strand): 5'-ACAGTCTCTCTCCTGTGAAATAAATGTCCTCTTCTGCTGCTTCTTTCTTCTGCTTGGCAG[CT>C]TCTGCTTTTGCTCACCACTAGGGTCACTGACCCTGTGGGGAAAATGTTCTTGGGTGTCAT-3'

ClinVar aggregate classification (germline): Pathogenic. Review status: criteria provided, multiple submitters, no conflicts (2 of 4 stars). 2 submissions from 2 submitters: Pathogenic (2). Last evaluated 2024-03-25.

Conditions:
Familial cancer of breast. Also called: hereditary breast carcinoma; BREAST CANCER, FAMILIAL; Hereditary breast cancer. Identifiers: Orphanet 227535, MedGen C0346153, MONDO:0016419, OMIM 114480. Disease mechanism: loss of function.

Submissions (2):

Labcorp Genetics (formerly Invitae), Labcorp
Classification: Pathogenic for Familial cancer of breast. Last evaluated: 2024-03-25. Review status: criteria provided, single submitter. Criteria: Invitae Variant Classification Sherloc (09022015). Collection method: clinical testing. Allele origin: germline.
Comment: This sequence change creates a premature translational stop signal (p.Lys142Serfs*35) in the PALB2 gene. It is expected to result in an absent or disrupted protein product. Loss-of-function variants in PALB2 are known to be pathogenic (PMID: 17200668, 17200671, 17200672, 24136930, 25099575). This variant is not present in population databases (gnomAD no frequency). This variant has not been reported in the literature in individuals affected with PALB2-related conditions. ClinVar contains an entry for this variant (Variation ID: 1068983). For these reasons, this variant has been classified as Pathogenic.

Myriad Genetics, Inc.
Classification: Pathogenic for Familial cancer of breast. Last evaluated: 2023-09-06. Review status: criteria provided, single submitter. Criteria: Myriad Autosomal Dominant, Autosomal Recessive and X-Linked Classification Criteria (2023). Collection method: clinical testing. Allele origin: unknown.
Comment: This variant is considered pathogenic. This variant creates a frameshift predicted to result in premature protein truncation.

Literature cited by the submitters: PubMed 17200668 (cited by Labcorp Genetics (formerly Invitae), Labcorp); PubMed 17200671 (cited by Labcorp Genetics (formerly Invitae), Labcorp); PubMed 17200672 (cited by Labcorp Genetics (formerly Invitae), Labcorp); PubMed 24136930 (cited by Labcorp Genetics (formerly Invitae), Labcorp); PubMed 25099575 (cited by Labcorp Genetics (formerly Invitae), Labcorp).